The following is an entry in ClinVar:

ClinVar aggregate classification (germline): Pathogenic. Review status: criteria provided, single submitter (1 of 4 stars). 2 submissions from 2 submitters: Pathogenic (1). 1 of the submissions does not count toward it. Last evaluated 2025-07-27.

Conditions:
Seizures, benign familial neonatal, 1. Also called: Benign Neonatal Epilepsy 1; KCNQ2-Related Benign Familial Neonatal Epilepsy; KCNQ2-Related Self-Limited Familial Neonatal Epilepsy (SLFNE); Seizures, benign neonatal, 1. Identifiers: Orphanet 1949, MedGen C3149074, MONDO:0007365, OMIM 121200.

Submissions (2):

GeneDx
Classification: Pathogenic. Last evaluated: 2025-07-27. Review status: criteria provided, single submitter. Criteria: GeneDx Variant Classification Process June 2021. Collection method: clinical testing. Allele origin: germline. Affected: yes.
Comment: Not observed at significant frequency in large population cohorts (gnomAD); Canonical splice site variant predicted to result in an in-frame loss of the adjacent exon in a gene for which loss of function is a known mechanism of disease; Deletions involving coding exons of this gene are a known mechanism of disease (HGMD); This variant is associated with the following publications: (PMID: 25525159, 10774989, 17129708, 28717674, 20437616)

GeneReviews
No classification provided. Condition: Seizures, benign familial neonatal, 1. Review status: no classification provided. Collection method: literature only. Allele origin: germline. Affected: yes. Not counted in ClinVar's aggregate classification.
Comment: BFNE (benign familial neonatal epilepsy)

Literature cited by the submitters: PubMed 10774989 (cited by GeneReviews); PubMed 17129708 (cited by GeneReviews); NCBI Bookshelf NBK32534 (cited by GeneReviews).

NM_172107.4(KCNQ2):c.1217+2T>G

Gene: KCNQ2 (potassium voltage-gated channel subfamily Q member 2; minus strand). Cytogenetic location: 20q13.33.
Variant type: single nucleotide variant.
Coding change: c.1217+2T>G on transcript NM_172107.4 (MANE Select); the canonical splice donor site of the intron after coding-DNA position 1217, T replaced by G.
Molecular consequence: splice donor variant.
Genome position (GRCh38, 1-based): chr20:63,428,365, A>C on the plus strand (T>G on the coding strand, the complement: KCNQ2 is on the minus strand). VCF-style: chr20-63428365-A-C. GRCh37 (hg19) VCF-style: chr20-62059718-A-C.
Other names: c.1187+2T>G (NM_004518.6); c.1217+2T>G (NM_172108.5, NM_172106.3, NM_001382235.1).
Identifiers: ClinVar variation 21760 (VCV000021760.3), dbSNP rs118192223, ClinGen allele CA342467.
Genomic context (GRCh38, chr20:63,428,365, plus strand): 5'-CAGCTGGGGCCCCCAGGAGGACTGAGACGCCCACCCGCCCCACCTGGAGCTCCCCAGCTG[A>C]CCTGAAAGCGAGTCCAGATTTACTCTTGAGGTTCCTCAGCAGCTCCAGCTGGTTCAGCGG-3'